The following is an entry in ClinVar:

NM_001376.5(DYNC1H1):c.8426C>T (p.Ala2809Val)

Gene: DYNC1H1 (dynein cytoplasmic 1 heavy chain 1; plus strand). Cytogenetic location: 14q32.31.
Variant type: single nucleotide variant.
Coding change: c.8426C>T on transcript NM_001376.5 (MANE Select); coding-DNA position 8426, C replaced by T.
Protein change: p.Ala2809Val; replaces alanine 2809 with valine.
Molecular consequence: missense variant.
Genome position (GRCh38, 1-based): chr14:102,019,975, C>T. VCF-style: chr14-102019975-C-T. GRCh37 (hg19) VCF-style: chr14-102486312-C-T.
Other names: c.8426C>T (NM_001376.4); short protein forms A2809V.
Identifiers: ClinVar variation 1354373 (VCV001354373.10), dbSNP rs759983101, ClinGen allele CA7353019.

ClinVar aggregate classification (germline): Uncertain significance. Review status: criteria provided, multiple submitters, no conflicts (2 of 4 stars). 2 submissions from 2 submitters: Uncertain significance (2). Last evaluated 2026-04-24.

Conditions:
Charcot-Marie-Tooth disease axonal type 2O. Also called: CHARCOT-MARIE-TOOTH NEUROPATHY, AXONAL, TYPE 2O; CHARCOT-MARIE-TOOTH DISEASE, AXONAL, AUTOSOMAL DOMINANT, TYPE 2O; Charcot-Marie-Tooth Neuropathy Type 2O; Charcot-Marie-Tooth disease, axonal, type 20. Identifiers: Orphanet 284232, MedGen C3280220, MONDO:0013644, OMIM 614228.

Allele frequency attached by ClinVar (database versions not stated): gnomAD exomes below 0.00001; TOPMed below 0.00001; ExAC 0.00001; gnomAD 0.00001.
gnomAD v4.1: 8 of 1,614,060 alleles (0.0005%); highest among the groups gnomAD compares: African/African-American, 0.0027%; no homozygotes.

Submissions (2):

GeneDx
Classification: Uncertain significance. Last evaluated: 2026-04-24. Review status: criteria provided, single submitter. Criteria: GeneDx Variant Classification Process June 2021. Collection method: clinical testing. Allele origin: germline.
Comment: In silico analysis supports that this missense variant has a deleterious effect on protein structure/function; Has not been previously published as pathogenic or benign to our knowledge; This variant is associated with the following publications: (PMID: 25512093, 25609763, 26100331)

Labcorp Genetics (formerly Invitae), Labcorp
Classification: Uncertain significance for Charcot-Marie-Tooth disease axonal type 2O. Last evaluated: 2023-07-22. Review status: criteria provided, single submitter. Criteria: Invitae Variant Classification Sherloc (09022015). Collection method: clinical testing. Allele origin: germline.
Comment: This sequence change replaces alanine, which is neutral and non-polar, with valine, which is neutral and non-polar, at codon 2809 of the DYNC1H1 protein (p.Ala2809Val). This variant is present in population databases (rs759983101, gnomAD 0.0009%). This variant has not been reported in the literature in individuals affected with DYNC1H1-related conditions. ClinVar contains an entry for this variant (Variation ID: 1354373). Advanced modeling of protein sequence and biophysical properties (such as structural, functional, and spatial information, amino acid conservation, physicochemical variation, residue mobility, and thermodynamic stability) has been performed at Invitae for this missense variant, however the output from this modeling did not meet the statistical confidence thresholds required to predict the impact of this variant on DYNC1H1 protein function. In summary, the available evidence is currently insufficient to determine the role of this variant in disease. Therefore, it has been classified as a Variant of Uncertain Significance.